The following is an entry in ClinVar:

ClinVar aggregate classification (germline): Pathogenic (1 of 4 stars; one submission).

Submission:

Labcorp Genetics (formerly Invitae), Labcorp
Classification: Pathogenic. Last evaluated: 2024-12-31. Review status: criteria provided, single submitter. Criteria: Invitae Variant Classification Sherloc (09022015). Collection method: clinical testing. Allele origin: germline.
Comment: This sequence change creates a premature translational stop signal (p.Glu487*) in the ARFGEF2 gene. It is expected to result in an absent or disrupted protein product. Loss-of-function variants in ARFGEF2 are known to be pathogenic (PMID: 14647276, 25160555). This variant is not present in population databases (gnomAD no frequency). This variant has not been reported in the literature in individuals affected with ARFGEF2-related conditions. Algorithms developed to predict the effect of sequence changes on RNA splicing suggest that this variant may disrupt the consensus splice site. For these reasons, this variant has been classified as Pathogenic.

Literature cited by the submitters: PubMed 14647276; PubMed 25160555.

NM_006420.3(ARFGEF2):c.1459G>T (p.Glu487Ter)

Gene: ARFGEF2 (ARF guanine nucleotide exchange factor 2; plus strand). Cytogenetic location: 20q13.13.
Variant type: single nucleotide variant.
Coding change: c.1459G>T on transcript NM_006420.3 (MANE Select); coding-DNA position 1459, G replaced by T.
Protein change: p.Glu487Ter; replaces glutamic acid 487 with a stop codon.
Molecular consequence: nonsense.
Genome position (GRCh38, 1-based): chr20:48,972,359, G>T. VCF-style: chr20-48972359-G-T. GRCh37 (hg19) VCF-style: chr20-47588896-G-T.
Other names: c.1456G>T, p.Glu486Ter (NM_001410846.1); short protein forms E486*, E487*.
Identifiers: ClinVar variation 3728317 (VCV003728317.2).